The following is an entry in ClinVar:

NM_004371.4(COPA):c.2652A>T (p.Glu884Asp)

Gene: COPA (coat protein complex I subunit alpha; minus strand). Cytogenetic location: 1q23.2.
Variant type: single nucleotide variant.
Coding change: c.2652A>T on transcript NM_004371.4 (MANE Select); coding-DNA position 2652, A replaced by T.
Protein change: p.Glu884Asp; replaces glutamic acid 884 with aspartic acid.
Molecular consequence: missense variant.
Genome position (GRCh38, 1-based): chr1:160,294,508, T>A on the plus strand (A>T on the coding strand, the complement: COPA is on the minus strand). VCF-style: chr1-160294508-T-A. GRCh37 (hg19) VCF-style: chr1-160264298-T-A.
Other names: c.2679A>T, p.Glu893Asp (NM_001098398.2); c.2679A>T (NM_001098398.1); short protein forms E893D, E884D.
Identifiers: ClinVar variation 3712314 (VCV003712314.3).

ClinVar aggregate classification (germline): Uncertain significance. Review status: criteria provided, multiple submitters, no conflicts (2 of 4 stars). 2 submissions from 2 submitters: Uncertain significance (2). Last evaluated 2025-08-30.

Conditions:
Autoimmune interstitial lung disease-arthritis syndrome. Also called: Autoinflammation and autoimmunity, systemic, with immune dysregulation. Identifiers: Orphanet 444092, MedGen C5975714, MONDO:0014629.
Inborn genetic diseases. Identifiers: MedGen C0950123, MeSH D030342.

Submissions (2):

Ambry Genetics
Classification: Uncertain significance for Inborn genetic diseases. Last evaluated: 2025-08-30. Review status: criteria provided, single submitter. Criteria: Ambry Variant Classification Scheme 2023. Collection method: clinical testing. Allele origin: germline.

Labcorp Genetics (formerly Invitae), Labcorp
Classification: Uncertain significance for Autoimmune interstitial lung disease-arthritis syndrome. Last evaluated: 2024-03-16. Review status: criteria provided, single submitter. Criteria: Invitae Variant Classification Sherloc (09022015). Collection method: clinical testing. Allele origin: germline.
Comment: This sequence change replaces glutamic acid, which is acidic and polar, with aspartic acid, which is acidic and polar, at codon 884 of the COPA protein (p.Glu884Asp). This variant is present in population databases (no rsID available, gnomAD 0.006%). This variant has not been reported in the literature in individuals affected with COPA-related conditions. Advanced modeling of protein sequence and biophysical properties (such as structural, functional, and spatial information, amino acid conservation, physicochemical variation, residue mobility, and thermodynamic stability) performed at Invitae indicates that this missense variant is not expected to disrupt COPA protein function with a negative predictive value of 80%. In summary, the available evidence is currently insufficient to determine the role of this variant in disease. Therefore, it has been classified as a Variant of Uncertain Significance.